The following is an entry in ClinVar:

NM_004369.4(COL6A3):c.5689C>T (p.Pro1897Ser)

Gene: COL6A3 (collagen type VI alpha 3 chain; minus strand). Cytogenetic location: 2q37.3.
Variant type: single nucleotide variant.
Coding change: c.5689C>T on transcript NM_004369.4 (MANE Select); coding-DNA position 5689, C replaced by T.
Protein change: p.Pro1897Ser; replaces proline 1897 with serine.
Molecular consequence: missense variant.
Genome position (GRCh38, 1-based): chr2:237,365,847, G>A on the plus strand (C>T on the coding strand, the complement: COL6A3 is on the minus strand). VCF-style: chr2-237365847-G-A. GRCh37 (hg19) VCF-style: chr2-238274490-G-A.
Other names: c.3868C>T, p.Pro1290Ser (NM_057166.5); c.5071C>T, p.Pro1691Ser (NM_057167.4); short protein forms P1290S, P1897S, P1691S.
Identifiers: ClinVar variation 2728066 (VCV002728066.3), dbSNP rs1371216508, ClinGen allele CA351185924.

ClinVar aggregate classification (germline): Uncertain significance (1 of 4 stars; one submission).

Conditions:
Bethlem myopathy 1A. Also called: Bethlem myopathy 1; Bethlem Muscular Dystrophy; MYOPATHY, BENIGN CONGENITAL, WITH CONTRACTURES. Identifiers: Orphanet 610, MedGen CN029274, MONDO:0024530, OMIM 158810.

Allele frequency attached by ClinVar (database versions not stated): gnomAD exomes 0.00001.
gnomAD v4.1: 16 of 1,614,200 alleles (0.00099%); highest among the groups gnomAD compares: Non-Finnish European, 0.0012%; no homozygotes.

Submission:

Labcorp Genetics (formerly Invitae), Labcorp
Classification: Uncertain significance for Bethlem myopathy 1A. Last evaluated: 2024-11-04. Review status: criteria provided, single submitter. Criteria: Invitae Variant Classification Sherloc (09022015). Collection method: clinical testing. Allele origin: germline.
Comment: This sequence change replaces proline, which is neutral and non-polar, with serine, which is neutral and polar, at codon 1897 of the COL6A3 protein (p.Pro1897Ser). This variant is present in population databases (no rsID available, gnomAD 0.002%). This variant has not been reported in the literature in individuals affected with COL6A3-related conditions. ClinVar contains an entry for this variant (Variation ID: 2728066). Invitae Evidence Modeling of protein sequence and biophysical properties (such as structural, functional, and spatial information, amino acid conservation, physicochemical variation, residue mobility, and thermodynamic stability) indicates that this missense variant is not expected to disrupt COL6A3 protein function with a negative predictive value of 80%. In summary, the available evidence is currently insufficient to determine the role of this variant in disease. Therefore, it has been classified as a Variant of Uncertain Significance.